The following is an entry in ClinVar:

NM_017802.4(DNAAF5):c.22G>C (p.Glu8Gln)

Genes: DNAAF5 (dynein axonemal assembly factor 5; plus strand), PRKAR1B (protein kinase cAMP-dependent type I regulatory subunit beta; minus strand). Cytogenetic location: 7p22.3.
Variant type: single nucleotide variant.
Coding change: c.22G>C on transcript NM_017802.4 (MANE Select); coding-DNA position 22, G replaced by C.
Protein change: p.Glu8Gln; replaces glutamic acid 8 with glutamine.
Molecular consequence: missense variant. On other transcripts: non-coding transcript variant (1), intron variant (3).
Genome position (GRCh38, 1-based): chr7:726,742, G>C. VCF-style: chr7-726742-G-C. GRCh37 (hg19) VCF-style: chr7-766379-G-C.
Other names: c.-23+913C>G (NM_001164759.1); c.-23+848C>G (NM_001164758.2); c.-23+468C>G (NM_001164760.2); short protein forms E8Q.
Identifiers: ClinVar variation 654564 (VCV000654564.9), dbSNP rs1337745093, ClinGen allele CA366529590.

ClinVar aggregate classification (germline): Uncertain significance (1 of 4 stars; one submission).

Conditions:
Primary ciliary dyskinesia. Also called: Ciliary dyskinesia. Identifiers: Orphanet 244, MedGen C0008780, MONDO:0016575, HP:0012265.

Allele frequency attached by ClinVar (database versions not stated): gnomAD exomes below 0.00001; gnomAD 0.00003 and 0.00004; TOPMed 0.00004.
gnomAD v4.1: 9 of 1,244,828 alleles (0.00072%); highest among the groups gnomAD compares: African/African-American, 0.0062%; no homozygotes.

Submission:

Labcorp Genetics (formerly Invitae), Labcorp
Classification: Uncertain significance for Primary ciliary dyskinesia. Last evaluated: 2022-07-21. Review status: criteria provided, single submitter. Criteria: Invitae Variant Classification Sherloc (09022015). Collection method: clinical testing. Allele origin: germline.
Comment: In summary, the available evidence is currently insufficient to determine the role of this variant in disease. Therefore, it has been classified as a Variant of Uncertain Significance. Algorithms developed to predict the effect of missense changes on protein structure and function are either unavailable or do not agree on the potential impact of this missense change (SIFT: "Tolerated"; PolyPhen-2: "Not Available"; Align-GVGD: "Class C0"). ClinVar contains an entry for this variant (Variation ID: 654564). This variant has not been reported in the literature in individuals affected with DNAAF5-related conditions. This variant is present in population databases (no rsID available, gnomAD 0.03%). This sequence change replaces glutamic acid, which is acidic and polar, with glutamine, which is neutral and polar, at codon 8 of the DNAAF5 protein (p.Glu8Gln).